The following is an entry in ClinVar:

NM_001170629.2(CHD8):c.1299A>C (p.Pro433=)

Gene: CHD8 (chromodomain helicase DNA binding protein 8; minus strand). Cytogenetic location: 14q11.2.
Variant type: single nucleotide variant.
Coding change: c.1299A>C on transcript NM_001170629.2 (MANE Select); coding-DNA position 1299, A replaced by C.
Protein change: p.Pro433=; no amino-acid change (proline 433 retained).
Molecular consequence: synonymous variant.
Genome position (GRCh38, 1-based): chr14:21,428,171, T>G on the plus strand (A>C on the coding strand, the complement: CHD8 is on the minus strand). VCF-style: chr14-21428171-T-G. GRCh37 (hg19) VCF-style: chr14-21896330-T-G.
Other names: c.462A>C, p.Pro154= (NM_020920.4).
Identifiers: ClinVar variation 2720307 (VCV002720307.5), dbSNP rs780336972, ClinGen allele CA7091798.

ClinVar aggregate classification (germline): Likely benign. Review status: criteria provided, multiple submitters, no conflicts (2 of 4 stars). 2 submissions from 2 submitters: Likely benign (2). Last evaluated 2026-05-01.

Allele frequency attached by ClinVar (database versions not stated): gnomAD exomes 0.00001; TOPMed 0.00001; ExAC 0.00002.
gnomAD v4.1: 7 of 1,614,026 alleles (0.00043%); highest among the groups gnomAD compares: Admixed American, 0.012%; no homozygotes.

Submissions (2):

CeGaT Center for Human Genetics Tuebingen
Classification: Likely benign. Last evaluated: 2026-05-01. Review status: criteria provided, single submitter. Criteria: CeGaT Center For Human Genetics Tuebingen Variant Classification Criteria Version 2. Collection method: clinical testing. Allele origin: germline. Affected: yes. Observed: 1 variant allele.
Comment: CHD8: BP4

Labcorp Genetics (formerly Invitae), Labcorp
Classification: Likely benign. Last evaluated: 2024-06-04. Review status: criteria provided, single submitter. Criteria: Invitae Variant Classification Sherloc (09022015). Collection method: clinical testing. Allele origin: germline.